The following is an entry in ClinVar:

NM_006030.4(CACNA2D2):c.1000G>A (p.Glu334Lys)

Gene: CACNA2D2 (calcium voltage-gated channel auxiliary subunit alpha2delta 2; minus strand). Cytogenetic location: 3p21.31.
Variant type: single nucleotide variant.
Coding change: c.1000G>A on transcript NM_006030.4 (MANE Select); coding-DNA position 1000, G replaced by A.
Protein change: p.Glu334Lys; replaces glutamic acid 334 with lysine.
Molecular consequence: missense variant.
Genome position (GRCh38, 1-based): chr3:50,379,584, C>T on the plus strand (G>A on the coding strand, the complement: CACNA2D2 is on the minus strand). VCF-style: chr3-50379584-C-T. GRCh37 (hg19) VCF-style: chr3-50417015-C-T.
Other names: c.1000G>A, p.Glu334Lys (NM_001005505.3, NM_001174051.3); c.793G>A, p.Glu265Lys (NM_001291101.1); short protein forms E265K, E334K.
Identifiers: ClinVar variation 999992 (VCV000999992.2), dbSNP rs743855, ClinGen allele CA74615594.
Genomic context (GRCh38, chr3:50,379,584, plus strand): 5'-TCTTGTTGCGCACATTGGCCTGCACCAGGTGTGTGAAGCATGACACAGGCTGTGCCTTCT[C>T]GTTGAACTGCAGGAACAGTAGGGTGGTGAGTGGCCTCAGGCTGGCCGGGGTAGGCAGCTA-3'
Protein context (NP_006021.2, residues 324-344): DDYVNVASFN[Glu334Lys]KAQPVSCFTH

ClinVar aggregate classification (germline): Uncertain significance (1 of 4 stars; one submission).

Conditions:
Developmental and epileptic encephalopathy. Identifiers: MedGen C5779964, MONDO:0100620.

Allele frequency attached by ClinVar (database versions not stated): gnomAD exomes below 0.00001.
gnomAD v4.1: 2 of 1,613,892 alleles (0.00012%); highest among the groups gnomAD compares: Non-Finnish European, 0.00017%; no homozygotes.

Submission:

Labcorp Genetics (formerly Invitae), Labcorp
Classification: Uncertain significance for Early-infantile DEE. Last evaluated: 2020-10-08. Review status: criteria provided, single submitter. Criteria: Invitae Variant Classification Sherloc (09022015). Collection method: clinical testing. Allele origin: germline.
Comment: This sequence change replaces glutamic acid with lysine at codon 334 of the CACNA2D2 protein (p.Glu334Lys). The glutamic acid residue is highly conserved and there is a small physicochemical difference between glutamic acid and lysine. This variant is not present in population databases (ExAC no frequency). This variant has not been reported in the literature in individuals with CACNA2D2-related conditions. Algorithms developed to predict the effect of missense changes on protein structure and function are either unavailable or do not agree on the potential impact of this missense change (SIFT: Deleterious; PolyPhen-2: Possibly Damaging; Align-GVGD: Class C0). In summary, the available evidence is currently insufficient to determine the role of this variant in disease. Therefore, it has been classified as a Variant of Uncertain Significance.